The following is an entry in ClinVar:

NM_005559.4(LAMA1):c.4537C>G (p.Pro1513Ala)

Gene: LAMA1 (laminin subunit alpha 1; minus strand). Cytogenetic location: 18p11.31.
Variant type: single nucleotide variant.
Coding change: c.4537C>G on transcript NM_005559.4 (MANE Select); coding-DNA position 4537, C replaced by G.
Protein change: p.Pro1513Ala; replaces proline 1513 with alanine.
Molecular consequence: missense variant.
Genome position (GRCh38, 1-based): chr18:6,999,571, G>C on the plus strand (C>G on the coding strand, the complement: LAMA1 is on the minus strand). VCF-style: chr18-6999571-G-C. GRCh37 (hg19) VCF-style: chr18-6999570-G-C.
Other names: short protein forms P1513A.
Identifiers: ClinVar variation 1927585 (VCV001927585.5), dbSNP rs201421953, ClinGen allele CA401846592.

ClinVar aggregate classification (germline): Uncertain significance (1 of 4 stars; one submission).

Submission:

Labcorp Genetics (formerly Invitae), Labcorp
Classification: Uncertain significance. Last evaluated: 2026-01-19. Review status: criteria provided, single submitter. Criteria: Invitae Variant Classification Sherloc (09022015). Collection method: clinical testing. Allele origin: germline.
Comment: This sequence change replaces proline, which is neutral and non-polar, with alanine, which is neutral and non-polar, at codon 1513 of the LAMA1 protein (p.Pro1513Ala). This variant is not present in population databases (gnomAD no frequency). This variant has not been reported in the literature in individuals affected with LAMA1-related conditions. ClinVar contains an entry for this variant (Variation ID: 1927585). Invitae Evidence Modeling of protein sequence and biophysical properties (such as structural, functional, and spatial information, amino acid conservation, physicochemical variation, residue mobility, and thermodynamic stability) indicates that this missense variant is not expected to disrupt LAMA1 protein function with a negative predictive value of 80%. In summary, the available evidence is currently insufficient to determine the role of this variant in disease. Therefore, it has been classified as a Variant of Uncertain Significance.